The following is an entry in ClinVar:

NM_199420.4(POLQ):c.3497A>G (p.Glu1166Gly)

Gene: POLQ (DNA polymerase theta; minus strand). Cytogenetic location: 3q13.33.
Variant type: single nucleotide variant.
Coding change: c.3497A>G on transcript NM_199420.4 (MANE Select); coding-DNA position 3497, A replaced by G.
Protein change: p.Glu1166Gly; replaces glutamic acid 1166 with glycine.
Molecular consequence: missense variant.
Genome position (GRCh38, 1-based): chr3:121,489,434, T>C on the plus strand (A>G on the coding strand, the complement: POLQ is on the minus strand). VCF-style: chr3-121489434-T-C. GRCh37 (hg19) VCF-style: chr3-121208281-T-C.
Other names: short protein forms E1166G.
Identifiers: ClinVar variation 1731992 (VCV001731992.2), dbSNP rs2546787320, ClinGen allele CA354099651.

ClinVar aggregate classification (germline): Uncertain significance (1 of 4 stars; one submission).

Submission:

Ambry Genetics
Classification: Uncertain significance. Last evaluated: 2021-08-27. Review status: criteria provided, single submitter. Criteria: Ambry Variant Classification Scheme 2023. Collection method: clinical testing. Allele origin: germline.
Comment: The p.E1166G variant (also known as c.3497A>G), located in coding exon 16 of the POLQ gene, results from an A to G substitution at nucleotide position 3497. The glutamic acid at codon 1166 is replaced by glycine, an amino acid with similar properties. This amino acid position is conserved. In addition, this alteration is predicted to be tolerated by in silico analysis. Since supporting evidence is limited at this time, the clinical significance of this alteration remains unclear.